The following is an entry in ClinVar:

ClinVar aggregate classification (germline): Uncertain significance. Review status: criteria provided, multiple submitters, no conflicts (2 of 4 stars). 2 submissions from 2 submitters: Uncertain significance (2). Last evaluated 2025-01-08.

Conditions:
Inborn genetic diseases. Identifiers: MedGen C0950123, MeSH D030342.

Allele frequency attached by ClinVar (database versions not stated): gnomAD exomes 0.00004; ExAC 0.00005; gnomAD 0.00012 and 0.00013; TOPMed 0.00014; ESP Exome Variant Server 0.00015; 1000 Genomes Project 30x 0.00016; 1000 Genomes Project 0.00020.
gnomAD v4.1: 42 of 1,611,676 alleles (0.0026%); highest among the groups gnomAD compares: African/African-American, 0.049%; no homozygotes.

Submissions (2):

Ambry Genetics
Classification: Uncertain significance for Inborn genetic diseases. Last evaluated: 2025-01-08. Review status: criteria provided, single submitter. Criteria: Ambry Variant Classification Scheme 2023. Collection method: clinical testing. Allele origin: germline.

Labcorp Genetics (formerly Invitae), Labcorp
Classification: Uncertain significance. Last evaluated: 2022-07-06. Review status: criteria provided, single submitter. Criteria: Invitae Variant Classification Sherloc (09022015). Collection method: clinical testing. Allele origin: germline.
Comment: This sequence change replaces threonine, which is neutral and polar, with isoleucine, which is neutral and non-polar, at codon 761 of the PTPN23 protein (p.Thr761Ile). This variant is present in population databases (rs201511460, gnomAD 0.05%). This variant has not been reported in the literature in individuals affected with PTPN23-related conditions. ClinVar contains an entry for this variant (Variation ID: 1519817). Algorithms developed to predict the effect of missense changes on protein structure and function are either unavailable or do not agree on the potential impact of this missense change (SIFT: "Tolerated"; PolyPhen-2: "Not Available"; Align-GVGD: "Class C0"). In summary, the available evidence is currently insufficient to determine the role of this variant in disease. Therefore, it has been classified as a Variant of Uncertain Significance.

NM_015466.4(PTPN23):c.2282C>T (p.Thr761Ile)

Gene: PTPN23 (protein tyrosine phosphatase non-receptor type 23; plus strand). Cytogenetic location: 3p21.31.
Variant type: single nucleotide variant.
Coding change: c.2282C>T on transcript NM_015466.4 (MANE Select); coding-DNA position 2282, C replaced by T.
Protein change: p.Thr761Ile; replaces threonine 761 with isoleucine.
Molecular consequence: missense variant.
Genome position (GRCh38, 1-based): chr3:47,410,080, C>T. VCF-style: chr3-47410080-C-T. GRCh37 (hg19) VCF-style: chr3-47451570-C-T.
Other names: c.1904C>T, p.Thr635Ile (NM_001304482.2); c.2282C>T (NM_015466.2); short protein forms T635I, T761I.
Identifiers: ClinVar variation 1519817 (VCV001519817.7), dbSNP rs201511460, ClinGen allele CA2365998.